The following is an entry in ClinVar:

NM_001277115.2(DNAH11):c.4385C>T (p.Thr1462Ile)

Gene: DNAH11 (dynein axonemal heavy chain 11; plus strand). Cytogenetic location: 7p15.3.
Variant type: single nucleotide variant.
Coding change: c.4385C>T on transcript NM_001277115.2 (MANE Select); coding-DNA position 4385, C replaced by T.
Protein change: p.Thr1462Ile; replaces threonine 1462 with isoleucine.
Molecular consequence: missense variant.
Genome position (GRCh38, 1-based): chr7:21,619,963, C>T. VCF-style: chr7-21619963-C-T. GRCh37 (hg19) VCF-style: chr7-21659581-C-T.
Other names: c.4400C>T, p.Thr1467Ile (NM_003777.3); short protein forms T1462I, T1467I.
Identifiers: ClinVar variation 3221486 (VCV003221486.2), dbSNP rs1785963511, ClinGen allele CA366952791.

ClinVar aggregate classification (germline): Uncertain significance. Review status: criteria provided, multiple submitters, no conflicts (2 of 4 stars). 2 submissions from 2 submitters: Uncertain significance (2). Last evaluated 2024-07-31.

Conditions:
Primary ciliary dyskinesia. Also called: Ciliary dyskinesia. Identifiers: Orphanet 244, MedGen C0008780, MONDO:0016575, HP:0012265.

gnomAD v4.1: 3 of 1,598,234 alleles (0.00019%); highest among the groups gnomAD compares: African/African-American, 0.0027%; no homozygotes.

Submissions (2):

GeneDx
Classification: Uncertain significance. Last evaluated: 2024-07-31. Review status: criteria provided, single submitter. Criteria: GeneDx Variant Classification Process June 2021. Collection method: clinical testing. Allele origin: germline. Affected: yes.
Comment: Not observed at significant frequency in large population cohorts (gnomAD); In silico analysis supports that this missense variant has a deleterious effect on protein structure/function; Has not been previously published as pathogenic or benign to our knowledge

Ambry Genetics
Classification: Uncertain significance for Primary ciliary dyskinesia. Last evaluated: 2023-11-06. Review status: criteria provided, single submitter. Criteria: Ambry Variant Classification Scheme 2023. Collection method: clinical testing. Allele origin: germline.
Comment: The p.T1462I variant (also known as c.4385C>T), located in coding exon 25 of the DNAH11 gene, results from a C to T substitution at nucleotide position 4385. The threonine at codon 1462 is replaced by isoleucine, an amino acid with similar properties. This amino acid position is conserved. In addition, this alteration is predicted to be tolerated by in silico analysis. Since supporting evidence is limited at this time, the clinical significance of this alteration remains unclear.